The following is an entry in ClinVar:

ClinVar aggregate classification (germline): Conflicting classifications of pathogenicity. Review status: criteria provided, conflicting classifications (1 of 4 stars). 8 submissions from 8 submitters: Uncertain significance (3); Benign (1); Likely benign (1). 3 of the submissions do not count toward it. Last evaluated 2026-09-21.

Conditions:
Inborn genetic diseases. Identifiers: MedGen C0950123, MeSH D030342.
ABHD12-related disorder. Also called: ABHD12-related condition.
Optic atrophy. Identifiers: MedGen C0029124, MONDO:0003608, HP:0000648.

Allele frequency attached by ClinVar (database versions not stated): gnomAD exomes 0.00007; 1000 Genomes Project 30x 0.00016; ExAC 0.00028; gnomAD 0.00046 and 0.00050; TOPMed 0.00057.
gnomAD v4.1: 170 of 1,470,642 alleles (0.012%); highest among the groups gnomAD compares: African/African-American, 0.18%; no homozygotes.

Submissions (8):

PreventionGenetics, part of Exact Sciences
Classification: Uncertain significance for ABHD12-related condition. Last evaluated: 2026-09-21. Review status: criteria provided, single submitter. Criteria: ACMG Guidelines, 2015. Collection method: clinical testing. Allele origin: germline.
Comment: The ABHD12 c.103C>T variant is predicted to result in the amino acid substitution p.Arg35Cys. To our knowledge, this variant has not been reported in the literature. This variant is reported in 0.10% of alleles in individuals of African descent in gnomAD. Although we suspect that this variant may be benign, at this time, the clinical significance of this variant is uncertain due to the absence of conclusive functional and genetic evidence.

Labcorp Genetics (formerly Invitae), Labcorp
Classification: Uncertain significance. Last evaluated: 2024-12-02. Review status: criteria provided, single submitter. Criteria: Invitae Variant Classification Sherloc (09022015). Collection method: clinical testing. Allele origin: germline.
Comment: This sequence change replaces arginine, which is basic and polar, with cysteine, which is neutral and slightly polar, at codon 35 of the ABHD12 protein (p.Arg35Cys). The frequency data for this variant in the population databases is considered unreliable, as metrics indicate poor data quality at this position in the gnomAD database. This variant has not been reported in the literature in individuals affected with ABHD12-related conditions. ClinVar contains an entry for this variant (Variation ID: 1226455). An algorithm developed to predict the effect of missense changes on protein structure and function (PolyPhen-2) suggests that this variant¬†is likely to be tolerated. In summary, the available evidence is currently insufficient to determine the role of this variant in disease. Therefore, it has been classified as a Variant of Uncertain Significance.

Blueprint Genetics
Classification: Likely benign. Last evaluated: 2024-09-23. Review status: criteria provided, single submitter. Criteria: ACMG Guidelines, 2015. Collection method: clinical testing. Allele origin: germline.

Ambry Genetics
Classification: Uncertain significance for Inborn genetic diseases. Last evaluated: 2021-08-18. Review status: criteria provided, single submitter. Criteria: Ambry Variant Classification Scheme 2023. Collection method: clinical testing. Allele origin: germline.

GeneDx
Classification: Benign. Last evaluated: 2019-12-17. Review status: criteria provided, single submitter. Criteria: GeneDx Variant Classification Process June 2021. Collection method: clinical testing. Allele origin: germline. Affected: yes.

Institute of Human Genetics, Univ. Regensburg, Univ. Regensburg
Classification: Uncertain significance for Optic atrophy. Last evaluated: 2022-01-01. Review status: no assertion criteria provided. Criteria: ACMG Guidelines, 2015. Collection method: clinical testing. Allele origin: germline. Affected: yes. Not counted in ClinVar's aggregate classification.

Clinical Genetics DNA and cytogenetics Diagnostics Lab, Erasmus MC, Erasmus Medical Center
Classification: Uncertain significance. Review status: no assertion criteria provided. Collection method: clinical testing. Allele origin: germline. Affected: yes. Study: VKGL Data-share Consensus. Not counted in ClinVar's aggregate classification.

Clinical Genetics, Academic Medical Center
Classification: Uncertain significance. Review status: no assertion criteria provided. Collection method: clinical testing. Allele origin: germline. Affected: yes. Study: VKGL Data-share Consensus. Not counted in ClinVar's aggregate classification.

NM_001042472.3(ABHD12):c.103C>T (p.Arg35Cys)

Genes: ABHD12 (abhydrolase domain containing 12, lysophospholipase; minus strand), LOC130065586 (ATAC-STARR-seq lymphoblastoid silent region 12752; plus strand). Cytogenetic location: 20p11.21.
Variant type: single nucleotide variant.
Coding change: c.103C>T on transcript NM_001042472.3 (MANE Select); coding-DNA position 103, C replaced by T.
Protein change: p.Arg35Cys; replaces arginine 35 with cysteine.
Molecular consequence: missense variant.
Genome position (GRCh38, 1-based): chr20:25,390,601, G>A on the plus strand (C>T on the coding strand, the complement: ABHD12 is on the minus strand). VCF-style: chr20-25390601-G-A. GRCh37 (hg19) VCF-style: chr20-25371237-G-A.
Other names: c.103C>T, p.Arg35Cys (NM_015600.5); short protein forms R35C.
Identifiers: ClinVar variation 1226455 (VCV001226455.14), dbSNP rs749409983, ClinGen allele CA9796322.